The following is an entry in ClinVar:

ClinVar aggregate classification (germline): Uncertain significance (0 of 4 stars; one submission).

Conditions:
PLXNA4-related disorder. Also called: PLXNA4-related condition.

Allele frequency attached by ClinVar (database versions not stated): TOPMed 0.00005; ExAC 0.00006; gnomAD 0.00007.
gnomAD v4.1: 44 of 1,614,022 alleles (0.0027%); highest among the groups gnomAD compares: Admixed American, 0.015%; no homozygotes.

Submission:

PreventionGenetics, part of Exact Sciences
Classification: Uncertain significance for PLXNA4-related condition. Last evaluated: 2024-01-04. Review status: no assertion criteria provided. Collection method: clinical testing. Allele origin: germline.
Comment: The PLXNA4 c.4633C>T variant is predicted to result in the amino acid substitution p.Arg1545Trp. To our knowledge, this variant has not been reported in the literature. This variant is reported in 0.025% of alleles in individuals of Latino descent in gnomAD. At this time, the clinical significance of this variant is uncertain due to the absence of conclusive functional and genetic evidence.

NM_020911.2(PLXNA4):c.4633C>T (p.Arg1545Trp)

Gene: PLXNA4 (plexin A4; minus strand). Cytogenetic location: 7q32.3.
Variant type: single nucleotide variant.
Coding change: c.4633C>T on transcript NM_020911.2 (MANE Select); coding-DNA position 4633, C replaced by T.
Protein change: p.Arg1545Trp; replaces arginine 1545 with tryptophan.
Molecular consequence: missense variant.
Genome position (GRCh38, 1-based): chr7:132,159,500, G>A on the plus strand (C>T on the coding strand, the complement: PLXNA4 is on the minus strand). VCF-style: chr7-132159500-G-A. GRCh37 (hg19) VCF-style: chr7-131844259-G-A.
Other names: c.4633C>T, p.Arg1545Trp (NM_001393897.1); short protein forms R1545W.
Identifiers: ClinVar variation 2635065 (VCV002635065.3), dbSNP rs777611144, ClinGen allele CA4489146.